The following is an entry in ClinVar:

ClinVar aggregate classification (germline): Conflicting classifications of pathogenicity. Review status: criteria provided, conflicting classifications (1 of 4 stars). 4 submissions from 4 submitters: Uncertain significance (2); Likely benign (1). 1 of the submissions does not count toward it. Last evaluated 2025-12-21.

Conditions:
Adams-Oliver syndrome 5 (AOS5). Identifiers: Orphanet 974, MedGen C4014970, MONDO:0014459, OMIM 616028.
Familial thoracic aortic aneurysm and aortic dissection (TAAD). Also called: Thoracic aortic aneurysms and dissections. Identifiers: Orphanet 91387, MedGen C4707243, MONDO:0019625.

Allele frequency attached by ClinVar (database versions not stated): ExAC 0.00002; gnomAD exomes 0.00003 and 0.00004; gnomAD 0.00019 and 0.00023; TOPMed 0.00026.
gnomAD v4.1: 91 of 1,612,826 alleles (0.0056%); highest among the groups gnomAD compares: African/African-American, 0.088%; no homozygotes.

Submissions (4):

Labcorp Genetics (formerly Invitae), Labcorp
Classification: Likely benign for Adams-Oliver syndrome 5. Last evaluated: 2025-12-21. Review status: criteria provided, single submitter. Criteria: Invitae Variant Classification Sherloc (09022015). Collection method: clinical testing. Allele origin: germline.

GeneDx
Classification: Uncertain significance. Last evaluated: 2024-12-13. Review status: criteria provided, single submitter. Criteria: GeneDx Variant Classification Process June 2021. Collection method: clinical testing. Allele origin: germline. Affected: yes.
Comment: In silico analysis indicates that this missense variant does not alter protein structure/function; Has not been previously published as pathogenic or benign to our knowledge

Ambry Genetics
Classification: Uncertain significance for Familial thoracic aortic aneurysm and aortic dissection. Last evaluated: 2023-10-05. Review status: criteria provided, single submitter. Criteria: Ambry Variant Classification Scheme 2023. Collection method: clinical testing. Allele origin: germline.

ITMI
No classification provided. Condition: AllHighlyPenetrant. Last evaluated: 2013-09-19. Review status: no classification provided. Collection method: reference population. Allele origin: germline. Not counted in ClinVar's aggregate classification.
Comment: Please see associated publication for description of ethnicities

Literature cited by the submitters: PubMed 24728327 (cited by ITMI).

NM_017617.5(NOTCH1):c.6898G>A (p.Gly2300Arg)

Gene: NOTCH1 (notch receptor 1; minus strand). Cytogenetic location: 9q34.3.
Variant type: single nucleotide variant.
Coding change: c.6898G>A on transcript NM_017617.5 (MANE Select); coding-DNA position 6898, G replaced by A.
Protein change: p.Gly2300Arg; replaces glycine 2300 with arginine.
Molecular consequence: missense variant.
Genome position (GRCh38, 1-based): chr9:136,496,841, C>T on the plus strand (G>A on the coding strand, the complement: NOTCH1 is on the minus strand). VCF-style: chr9-136496841-C-T. GRCh37 (hg19) VCF-style: chr9-139391293-C-T.
Other names: c.6898G>A, p.Gly2300Arg (LRG_1122t1); short protein forms G2300R.
Identifiers: ClinVar variation 134955 (VCV000134955.10), dbSNP rs587778573, ClinGen allele CA161237.